The following is an entry in ClinVar:

ClinVar aggregate classification (germline): Uncertain significance (1 of 4 stars; one submission).

Allele frequency attached by ClinVar (database versions not stated): gnomAD exomes below 0.00001; TOPMed below 0.00001; ExAC 0.00001; gnomAD 0.00001.
gnomAD v4.1: 4 of 1,613,988 alleles (0.00025%); highest among the groups gnomAD compares: East Asian, 0.0022%; no homozygotes.

Submission:

Labcorp Genetics (formerly Invitae), Labcorp
Classification: Uncertain significance. Last evaluated: 2023-04-06. Review status: criteria provided, single submitter. Criteria: Invitae Variant Classification Sherloc (09022015). Collection method: clinical testing. Allele origin: germline.
Comment: This sequence change replaces proline, which is neutral and non-polar, with leucine, which is neutral and non-polar, at codon 461 of the IRF2BP2 protein (p.Pro461Leu). This variant is present in population databases (rs753471140, gnomAD 0.007%). This variant has not been reported in the literature in individuals affected with IRF2BP2-related conditions. An algorithm developed to predict the effect of missense changes on protein structure and function (PolyPhen-2) suggests that this variant is likely to be disruptive. In summary, the available evidence is currently insufficient to determine the role of this variant in disease. Therefore, it has been classified as a Variant of Uncertain Significance.

NM_182972.3(IRF2BP2):c.1382C>T (p.Pro461Leu)

Gene: IRF2BP2 (interferon regulatory factor 2 binding protein 2; minus strand). Cytogenetic location: 1q42.3.
Variant type: single nucleotide variant.
Coding change: c.1382C>T on transcript NM_182972.3 (MANE Select); coding-DNA position 1382, C replaced by T.
Protein change: p.Pro461Leu; replaces proline 461 with leucine.
Molecular consequence: missense variant.
Genome position (GRCh38, 1-based): chr1:234,607,519, G>A on the plus strand (C>T on the coding strand, the complement: IRF2BP2 is on the minus strand). VCF-style: chr1-234607519-G-A. GRCh37 (hg19) VCF-style: chr1-234743265-G-A.
Other names: c.1334C>T, p.Pro445Leu (NM_001077397.1); short protein forms P445L, P461L.
Identifiers: ClinVar variation 2966876 (VCV002966876.3), dbSNP rs753471140, ClinGen allele CA1461571.